The following is an entry in ClinVar:

NM_206933.4(USH2A):c.1134A>G (p.Gly378=)

Gene: USH2A (usherin; minus strand). Cytogenetic location: 1q41.
Variant type: single nucleotide variant.
Coding change: c.1134A>G on transcript NM_206933.4 (MANE Select); coding-DNA position 1134, A replaced by G.
Protein change: p.Gly378=; no amino-acid change (glycine 378 retained).
Molecular consequence: synonymous variant.
Genome position (GRCh38, 1-based): chr1:216,325,314, T>C on the plus strand (A>G on the coding strand, the complement: USH2A is on the minus strand). VCF-style: chr1-216325314-T-C. GRCh37 (hg19) VCF-style: chr1-216498656-T-C.
Other names: c.1134A>G, p.Gly378= (NM_007123.6); c.1134A>G (NM_206933.2).
Identifiers: ClinVar variation 1544396 (VCV001544396.9), dbSNP rs2102655700, ClinGen allele CA423434646.

ClinVar aggregate classification (germline): Conflicting classifications of pathogenicity. Review status: criteria provided, conflicting classifications (1 of 4 stars). 2 submissions from 2 submitters: Uncertain significance (1); Likely benign (1). Last evaluated 2023-05-24.

Submissions (2):

GeneDx
Classification: Uncertain significance. Last evaluated: 2023-05-24. Review status: criteria provided, single submitter. Criteria: GeneDx Variant Classification Process June 2021. Collection method: clinical testing. Allele origin: germline. Affected: yes.
Comment: Not observed at significant frequency in large population cohorts (gnomAD); In silico analysis supports that this variant does not alter splicing; Has not been previously published as pathogenic or benign to our knowledge

Labcorp Genetics (formerly Invitae), Labcorp
Classification: Likely benign. Last evaluated: 2021-05-16. Review status: criteria provided, single submitter. Criteria: Invitae Variant Classification Sherloc (09022015). Collection method: clinical testing. Allele origin: germline.